The following is an entry in ClinVar:

NM_000277.3(PAH):c.934G>C (p.Gly312Arg)

Gene: PAH (phenylalanine hydroxylase; minus strand). Cytogenetic location: 12q23.2.
Variant type: single nucleotide variant.
Coding change: c.934G>C on transcript NM_000277.3 (MANE Select); coding-DNA position 934, G replaced by C.
Protein change: p.Gly312Arg; replaces glycine 312 with arginine.
Molecular consequence: missense variant.
Genome position (GRCh38, 1-based): chr12:102,846,930, C>G on the plus strand (G>C on the coding strand, the complement: PAH is on the minus strand). VCF-style: chr12-102846930-C-G. GRCh37 (hg19) VCF-style: chr12-103240708-C-G.
Other names: c.934G>C, p.Gly312Arg (NM_001354304.2); short protein forms G312R.
Identifiers: ClinVar variation 619151 (VCV000619151.3), dbSNP rs763115697, ClinGen allele CA16020901.

ClinVar aggregate classification (germline): Uncertain significance. Review status: reviewed by expert panel (3 of 4 stars). 2 submissions from 2 submitters: Uncertain significance (1). 1 of the submissions does not count toward it. Last evaluated 2018-12-09.

Conditions:
Phenylketonuria (PKU). Also called: OLIGOPHRENIA PHENYLPYRUVICA; Phenylketonurias; FOLLING DISEASE; Phenylketonuria (PKU). Identifiers: Orphanet 716, MedGen C0031485, MONDO:0009861, OMIM 261600. Disease mechanism: loss of function.

Submissions (2):

ClinGen PAH Variant Curation Expert Panel
Classification: Uncertain significance for Phenylketonuria. Last evaluated: 2018-12-09. Review status: reviewed by expert panel. Criteria: ClinGen PAH ACMG Specifications v1. Collection method: curation. Allele origin: germline. Inheritance: Autosomal recessive inheritance.
Comment: The c.934G>C (p.Gly312Arg) variant in PAH is absent from population databases, and predicted damaging by in silico algorithms. It is identified in a single patient with phenylketonuria, in trans with a VUS (IVS8-7A>G) Defect in BH4 metabolism was not excluded in this publication (Bashyam, 2014. PMID: 24130151). In summary, this variant meets criteria to be classified as uncertain significance for PAH. PAH-specific ACMG/AMP criteria applied: PP4, PM2, PP3.

Women's Health and Genetics/Laboratory Corporation of America, LabCorp
Classification: Uncertain significance. Last evaluated: 2023-09-21. Review status: criteria provided, single submitter. Criteria: LabCorp Variant Classification Summary - May 2015. Collection method: clinical testing. Allele origin: germline. Not counted in ClinVar's aggregate classification.
Comment: Variant summary: PAH c.934G>C (p.Gly312Arg) results in a non-conservative amino acid change located in the Aromatic amino acid hydroxylase, C-terminal domain (IPR019774) of the encoded protein sequence. Five of five in-silico tools predict a damaging effect of the variant on protein function. The variant was absent in 251274 control chromosomes (gnomAD). The available data on variant occurrences in the general population are insufficient to allow any conclusion about variant significance. c.934G>C has been reported in the literature in at-least one individual affected with Phenylalanine Hydroxylase Deficiency (Phenylketonuria) (example: Bashyam_2014). These data do not allow any conclusion about variant significance. To our knowledge, no experimental evidence demonstrating an impact on protein function has been reported. The following publication has been ascertained in the context of this evaluation (PMID: 24130151). Other variants affecting the same residue (p.Gly312Val, p.Gly312Cys, p.Gly312Asp) have been classified pathogenic or likely pathogenic in ClinVar (CV IDs 1458264, 446506, 102901). One submitter (ClinGen PAH Variant Curation Expert Panel) has cited clinical-significance assessments for this variant to ClinVar after 2014 and has classified the variant as uncertain significance. Based on the evidence outlined above, the variant was classified as VUS-possibly pathogenic.

Literature cited by the submitters: PubMed 24130151 (cited by ClinGen PAH Variant Curation Expert Panel and Women's Health and Genetics/Laboratory Corporation of America, LabCorp).